The following is an entry in ClinVar:

ClinVar aggregate classification (germline): Conflicting classifications of pathogenicity. Review status: criteria provided, conflicting classifications (1 of 4 stars). 7 submissions from 7 submitters: Uncertain significance (5); Likely benign (1). 1 of the submissions does not count toward it. Last evaluated 2026-01-19.

Conditions:
CC2D1A-related disorder. Also called: CC2D1A-related condition.
Intellectual developmental disorder, autosomal recessive 3. Also called: Intellectual disability, autosomal recessive 3. Identifiers: Orphanet 88616, MedGen C1838023, MONDO:0012037, OMIM 608443.

Allele frequency attached by ClinVar (database versions not stated): ESP Exome Variant Server 0.00049; TOPMed 0.00064; 1000 Genomes Project 0.00080; 1000 Genomes Project 30x 0.00141.

Submissions (7):

Labcorp Genetics (formerly Invitae), Labcorp
Classification: Likely benign. Last evaluated: 2026-01-19. Review status: criteria provided, single submitter. Criteria: Invitae Variant Classification Sherloc (09022015). Collection method: clinical testing. Allele origin: germline.

Blueprint Genetics
Classification: Uncertain significance. Last evaluated: 2024-11-28. Review status: criteria provided, single submitter. Criteria: ACMG Guidelines, 2015. Collection method: clinical testing. Allele origin: germline.

ARUP Laboratories, Molecular Genetics and Genomics, ARUP Laboratories
Classification: Uncertain significance for Intellectual developmental disorder, autosomal recessive 3. Last evaluated: 2023-09-27. Review status: criteria provided, single submitter. Criteria: ARUP Molecular Germline Variant Investigation Process 2024. Collection method: clinical testing. Allele origin: germline.
Comment: The CC2D1A c.2342G>C; p.Gly781Ala variant (rs2092723475), to our knowledge, is not reported in the medical literature but is reported in ClinVar (Variation ID: 210600). Due to limited information, the clinical significance of this variant is uncertain at this time.

CeGaT Center for Human Genetics Tuebingen
Classification: Uncertain significance. Last evaluated: 2019-08-01. Review status: criteria provided, single submitter. Criteria: CeGaT Center For Human Genetics Tuebingen Variant Classification Criteria Version 2. Collection method: clinical testing. Allele origin: germline. Affected: yes. Observed: 1 variant allele.

Fulgent Genetics
Classification: Uncertain significance for Intellectual developmental disorder, autosomal recessive 3. Last evaluated: 2018-10-31. Review status: criteria provided, single submitter. Criteria: ACMG Guidelines, 2015. Collection method: clinical testing. Allele origin: unknown.

Genetic Services Laboratory, University of Chicago
Classification: Uncertain significance. Last evaluated: 2014-12-23. Review status: criteria provided, single submitter. Criteria: ACMG Guidelines, 2015. Collection method: clinical testing. Allele origin: germline.

PreventionGenetics, part of Exact Sciences
Classification: Likely benign for CC2D1A-related condition. Last evaluated: 2022-10-24. Review status: no assertion criteria provided. Collection method: clinical testing. Allele origin: germline. Not counted in ClinVar's aggregate classification.
Comment: This variant is classified as likely benign based on ACMG/AMP sequence variant interpretation guidelines (Richards et al. 2015 PMID: 25741868, with internal and published modifications).

NM_017721.5(CC2D1A):c.2342G>C (p.Gly781Ala)

Gene: CC2D1A (coiled-coil and C2 domain containing 1A; plus strand). Cytogenetic location: 19p13.12.
Variant type: single nucleotide variant.
Coding change: c.2342G>C on transcript NM_017721.5 (MANE Select); coding-DNA position 2342, G replaced by C.
Protein change: p.Gly781Ala; replaces glycine 781 with alanine.
Molecular consequence: missense variant.
Genome position (GRCh38, 1-based): chr19:13,927,918, G>C. VCF-style: chr19-13927918-G-C. GRCh37 (hg19) VCF-style: chr19-14038731-G-C.
Other names: short protein forms G781A.
Identifiers: ClinVar variation 210600 (VCV000210600.54), dbSNP rs77389229, ClinGen allele CA205053.